The following is an entry in ClinVar:

ClinVar aggregate classification (germline): Uncertain significance (1 of 4 stars; one submission).

Submission:

GeneDx
Classification: Uncertain significance. Last evaluated: 2024-05-23. Review status: criteria provided, single submitter. Criteria: GeneDx Variant Classification Process June 2021. Collection method: clinical testing. Allele origin: germline. Affected: yes.
Comment: Not observed at significant frequency in large population cohorts (gnomAD); In silico analysis supports that this missense variant has a deleterious effect on protein structure/function; Has not been previously published as pathogenic or benign to our knowledge

NM_182972.3(IRF2BP2):c.1720A>T (p.Ile574Phe)

Gene: IRF2BP2 (interferon regulatory factor 2 binding protein 2; minus strand). Cytogenetic location: 1q42.3.
Variant type: single nucleotide variant.
Coding change: c.1720A>T on transcript NM_182972.3 (MANE Select); coding-DNA position 1720, A replaced by T.
Protein change: p.Ile574Phe; replaces isoleucine 574 with phenylalanine.
Molecular consequence: missense variant.
Genome position (GRCh38, 1-based): chr1:234,607,181, T>A on the plus strand (A>T on the coding strand, the complement: IRF2BP2 is on the minus strand). VCF-style: chr1-234607181-T-A. GRCh37 (hg19) VCF-style: chr1-234742927-T-A.
Other names: c.1672A>T, p.Ile558Phe (NM_001077397.1); short protein forms I558F, I574F.
Identifiers: ClinVar variation 3383544 (VCV003383544.1).